The following is an entry in ClinVar:

ClinVar aggregate classification (germline): Uncertain significance (1 of 4 stars; one submission).

Submission:

ISCA Site 6
Classification: Uncertain significance. Last evaluated: 2011-08-12. Review status: criteria provided, single submitter. Criteria: Kaminsky et al. (Genet Med. 2011). Collection method: clinical testing. Allele origin: paternal, maternal. Affected: yes. Observed: 3 variant alleles. Clinical features observed: Global developmental delay (HP:0001263), Muscular hypotonia (HP:0001252), Seizure (HP:0001250), Developmental delay AND/OR other significant developmental or morphological phenotypes.
Comment: Copy number variation identified through the course of routine clinical cytogenomic testing in postnatal populations. Clinical assertions have been curated as described in Kaminsky et al. 2011.

GRCh38/hg38 16p13.11(chr16:14823949-16281234)x3

Genes: ABCC1 (ATP binding cassette subfamily C member 1 (ABCC1 blood group); plus strand), ABCC6 (ATP binding cassette subfamily C member 6; minus strand), BMERB1 (bMERB domain containing 1; plus strand), CEP20 (centrosomal protein 20; minus strand), MARF1 (meiosis regulator and mRNA stability factor 1; minus strand) and 42 more. Cytogenetic location: 16p13.11.
Variant type: copy number gain.
Change: copy number 3 (three copies instead of two) of chr16:14,823,949-16,281,234 (1.46 Mb, GRCh38 coordinates, 1-based), cytogenetic band 16p13.11.
Identifiers: ClinVar variation 57657 (VCV000057657.2).